The following is an entry in ClinVar:

ClinVar aggregate classification (germline): Uncertain significance. Review status: criteria provided, multiple submitters, no conflicts (2 of 4 stars). 6 submissions from 6 submitters: Uncertain significance (6). Last evaluated 2025-12-16.

Conditions:
Hereditary cancer-predisposing syndrome. Also called: Tumor predisposition; Hereditary Cancer Syndrome; Hereditary neoplastic syndrome; Neoplastic Syndromes, Hereditary. Identifiers: Orphanet 140162, MedGen C0027672, MeSH D009386, MONDO:0015356.
Lynch syndrome. Identifiers: Orphanet 144, MedGen C4552100, MONDO:0005835. Disease mechanism: loss of function.
Lynch syndrome 4 (LYNCH4). Also called: Colorectal cancer, hereditary nonpolyposis, type 4; Hereditary non-polyposis colorectal cancer, type 4. Identifiers: Orphanet 144, MedGen C1838333, MONDO:0013699, OMIM 614337. Disease mechanism: loss of function.
Hereditary nonpolyposis colorectal neoplasms. Identifiers: MedGen C0009405, MeSH D003123.

Submissions (6):

Labcorp Genetics (formerly Invitae), Labcorp
Classification: Uncertain significance for Hereditary nonpolyposis colorectal neoplasms. Last evaluated: 2025-12-16. Review status: criteria provided, single submitter. Criteria: Invitae Variant Classification Sherloc (09022015). Collection method: clinical testing. Allele origin: germline.
Comment: This sequence change replaces glycine, which is neutral and non-polar, with serine, which is neutral and polar, at codon 512 of the PMS2 protein (p.Gly512Ser). This variant is not present in population databases (gnomAD no frequency). This variant has not been reported in the literature in individuals affected with PMS2-related conditions. ClinVar contains an entry for this variant (Variation ID: 411043). Invitae Evidence Modeling incorporating data from in vitro experimental studies (internal data) indicates that this missense variant is not expected to disrupt PMS2 function with a negative predictive value of 95%. In summary, the available evidence is currently insufficient to determine the role of this variant in disease. Therefore, it has been classified as a Variant of Uncertain Significance.

GeneDx
Classification: Uncertain significance. Last evaluated: 2024-06-27. Review status: criteria provided, single submitter. Criteria: GeneDx Variant Classification Process June 2021. Collection method: clinical testing. Allele origin: germline. Affected: yes.
Comment: Not observed at significant frequency in large population cohorts (gnomAD); In silico analysis indicates that this missense variant does not alter protein structure/function; Has not been previously published as pathogenic or benign to our knowledge

Ambry Genetics
Classification: Uncertain significance for Hereditary cancer-predisposing syndrome. Last evaluated: 2024-05-25. Review status: criteria provided, single submitter. Criteria: Ambry Variant Classification Scheme 2023. Collection method: clinical testing. Allele origin: germline.
Comment: The p.G512S variant (also known as c.1534G>A), located in coding exon 11 of the PMS2 gene, results from a G to A substitution at nucleotide position 1534. The glycine at codon 512 is replaced by serine, an amino acid with similar properties. This amino acid position is not well conserved in available vertebrate species. In addition, this alteration is predicted to be tolerated by in silico analysis. Since supporting evidence is limited at this time, the clinical significance of this alteration remains unclear.

All of Us Research Program, National Institutes of Health
Classification: Uncertain significance for Lynch syndrome. Last evaluated: 2024-05-17. Review status: criteria provided, single submitter. Criteria: ACMG Guidelines, 2015. Collection method: clinical testing. Allele origin: germline. Inheritance: Autosomal dominant inheritance. Observed: 1 variant allele, 1 heterozygote.
Comment: This study involves interpretation of variants in research participants for the purpose of population health screening. Participant phenotype was not available at the time of variant classification. Additional details can be found in publication PMID: 35346344, PMCID: PMC8962531

Color Diagnostics, LLC DBA Color Health
Classification: Uncertain significance for Hereditary cancer-predisposing syndrome. Last evaluated: 2023-12-05. Review status: criteria provided, single submitter. Criteria: ACMG Guidelines, 2015. Collection method: clinical testing. Allele origin: germline.
Comment: This missense variant replaces glycine with serine at codon 512 of the PMS2 protein. Computational prediction suggests that this variant may not impact protein structure and function (internally defined REVEL score threshold <= 0.5, PMID: 27666373). To our knowledge, functional studies have not been reported for this variant. This variant has not been reported in individuals affected with PMS2-related disorders in the literature. This variant has not been identified in the general population by the Genome Aggregation Database (gnomAD). The available evidence is insufficient to determine the role of this variant in disease conclusively. Therefore, this variant is classified as a Variant of Uncertain Significance.

Mendelics
Classification: Uncertain significance for Lynch syndrome 4. Last evaluated: 2019-05-28. Review status: criteria provided, single submitter. Criteria: Mendelics Assertion Criteria 2017. Collection method: clinical testing. Allele origin: unknown.

NM_000535.7(PMS2):c.1534G>A (p.Gly512Ser)

Gene: PMS2 (PMS1 homolog 2, mismatch repair system component; minus strand). Cytogenetic location: 7p22.1.
Variant type: single nucleotide variant.
Coding change: c.1534G>A on transcript NM_000535.7 (MANE Select); coding-DNA position 1534, G replaced by A.
Protein change: p.Gly512Ser; replaces glycine 512 with serine.
Molecular consequence: missense variant. On other transcripts: non-coding transcript variant (1).
Genome position (GRCh38, 1-based): chr7:5,987,231, C>T on the plus strand (G>A on the coding strand, the complement: PMS2 is on the minus strand). VCF-style: chr7-5987231-C-T. GRCh37 (hg19) VCF-style: chr7-6026862-C-T.
Other names: c.1129G>A, p.Gly377Ser (NM_001322003.2, NM_001322004.2, NM_001322005.2 and 1 more transcripts); c.1378G>A, p.Gly460Ser (NM_001322006.2); c.1216G>A, p.Gly406Ser (NM_001322007.2, NM_001322008.2); c.973G>A, p.Gly325Ser (NM_001322010.2); c.601G>A, p.Gly201Ser (NM_001322011.2, NM_001322012.2); c.961G>A, p.Gly321Ser (NM_001322013.2); c.1534G>A, p.Gly512Ser (NM_001322014.2); c.1225G>A, p.Gly409Ser (NM_001322015.2); short protein forms G512S, G321S, G325S, G460S, G201S, G409S, G377S, G406S.
Identifiers: ClinVar variation 411043 (VCV000411043.24), dbSNP rs1060503127, ClinGen allele CA16612392.